The following is an entry in ClinVar:

ClinVar aggregate classification (germline): Uncertain significance (1 of 4 stars; one submission).

Conditions:
Congenital contractural arachnodactyly (CCA). Also called: BEALS SYNDROME; Arthrogryposis, distal, type 9; Beals-Hecht syndrome. Identifiers: Orphanet 115, MedGen C0220668, MONDO:0007363, OMIM 121050.

Submission:

Labcorp Genetics (formerly Invitae), Labcorp
Classification: Uncertain significance for Congenital contractural arachnodactyly. Last evaluated: 2022-03-18. Review status: criteria provided, single submitter. Criteria: Invitae Variant Classification Sherloc (09022015). Collection method: clinical testing. Allele origin: germline.
Comment: In summary, the available evidence is currently insufficient to determine the role of this variant in disease. Therefore, it has been classified as a Variant of Uncertain Significance. This variant has not been reported in the literature in individuals affected with FBN2-related conditions. This variant results in the deletion of exons 12-13 and part of exon 14 (c.1604-1449_1893delins27) of the FBN2 gene. It is expected to disrupt RNA splicing. Variants that disrupt the donor or acceptor splice site typically lead to a loss of protein function (PMID: 16199547), however the current clinical and genetic evidence is not sufficient to establish whether loss-of-function variants in FBN2 cause disease.

Literature cited by the submitters: PubMed 16199547.

NC_000005.9:g.(?_127712503)_(127716032_?)del

Gene: FBN2 (fibrillin 2; minus strand). Cytogenetic location: 5q23.3.
Variant type: Deletion.
Identifiers: ClinVar variation 2424342 (VCV002424342.3).